The following is an entry in ClinVar:

NM_003002.4(SDHD):c.3G>C (p.Met1Ile)

Genes: SDHD (succinate dehydrogenase complex subunit D; plus strand), LOC126861339 (BRD4-independent group 4 enhancer GRCh37_chr11:111957035-111958234; plus strand). Cytogenetic location: 11q23.1.
Variant type: single nucleotide variant.
Coding change: c.3G>C on transcript NM_003002.4 (MANE Select); coding-DNA position 3, G replaced by C.
Protein change: p.Met1Ile; changes the start codon (methionine 1).
Molecular consequence: missense variant, initiator codon variant. On other transcripts: non-coding transcript variant (1).
Genome position (GRCh38, 1-based): chr11:112,086,910, G>C. VCF-style: chr11-112086910-G-C. GRCh37 (hg19) VCF-style: chr11-111957634-G-C.
Other names: p.Met1?; c.3G>C, p.Met1Ile (NM_001276503.2, NM_001276504.2, NM_001276506.2); short protein forms M1I.
Identifiers: ClinVar variation 6906 (VCV000006906.30), dbSNP rs80338842, ClinGen allele CA016987.

ClinVar aggregate classification (germline): Pathogenic. Review status: criteria provided, multiple submitters, no conflicts (2 of 4 stars). 8 submissions from 8 submitters: Pathogenic (6). 2 of the submissions do not count toward it. Last evaluated 2025-12-15.

Conditions:
SDHD-related disorder. Also called: SDHD-related condition.
Cowden syndrome 3 (CWS3). Identifiers: Orphanet 201, MedGen CN166604, MONDO:0014045.
Paragangliomas with sensorineural hearing loss. Identifiers: MedGen C1868633.
Pheochromocytoma. Also called: MAX-Related Hereditary Paraganglioma-Pheochromocytoma Syndrome. Identifiers: Orphanet 29072, MedGen C0031511, MONDO:0008233, OMIM 171300, HP:0002666.
Carney-Stratakis syndrome. Also called: PARAGANGLIOMA AND GASTROINTESTINAL STROMAL TUMOR. Identifiers: Orphanet 97286, MedGen C1847319, MONDO:0011740, OMIM 606864.
Hereditary cancer-predisposing syndrome. Also called: Tumor predisposition; Hereditary neoplastic syndrome; Hereditary Cancer Syndrome; Neoplastic Syndromes, Hereditary. Identifiers: Orphanet 140162, MedGen C0027672, MeSH D009386, MONDO:0015356.
Pheochromocytoma/paraganglioma syndrome 1. Also called: Paragangliomas 1; PARAGANGLIOMATA; PARAGANGLIOMAS, FAMILIAL NONCHROMAFFIN, 1; PGL 1; Paragangliomas familial 1; Glomus tumors familial 1. Identifiers: Orphanet 29072, MedGen C3494181, MONDO:0008192, OMIM 168000.
Hereditary pheochromocytoma and paraganglioma. Also called: Hereditary paragangliomas and pheochromocytomas; Hereditary pheochromocytoma-paraganglioma; Hereditary Paraganglioma-Pheochromocytoma Syndromes. Identifiers: Orphanet 29072, MedGen C4274332, MONDO:0017366.

Allele frequency attached by ClinVar (database versions not stated): gnomAD exomes below 0.00001.

Submissions (8):

Labcorp Genetics (formerly Invitae), Labcorp
Classification: Pathogenic for Carney-Stratakis syndrome; Paragangliomas with sensorineural hearing loss; Pheochromocytoma; Cowden syndrome 3. Last evaluated: 2025-12-15. Review status: criteria provided, single submitter. Criteria: Invitae Variant Classification Sherloc (09022015). Collection method: clinical testing. Allele origin: germline.
Comment: This sequence change affects the initiator codon of the SDHD mRNA. This change may impact translation initiation or efficiency. The next in-frame methionine is located at codon 91. This variant is not present in population databases (gnomAD no frequency). Disruption of the initiator codon has been observed in individual(s) with clinical features of SDHD-related conditions (PMID: 11391796, 12782822, 15066320, 17576205, 19351833, 19454582, 21792967, 21945342, 22241717). It has also been observed to segregate with disease in related individuals. ClinVar contains an entry for this variant (Variation ID: 6906). For these reasons, this variant has been classified as Pathogenic.

Institute for Genomic Medicine (IGM) Clinical Laboratory, Nationwide Children's Hospital
Classification: Pathogenic for Pheochromocytoma/paraganglioma syndrome 1. Last evaluated: 2025-03-18. Review status: criteria provided, single submitter. Criteria: ACMG Guidelines, 2015. Collection method: clinical testing. Allele origin: germline.
Comment: This variant is predicted to result in loss of function through nonsense-mediated decay of the encoded transcript or premature truncation of the encoded protein in a gene in which loss of function is a known mechanism of disease (ACMG/AMP: PVS1_Moderate; PMIDs:19454582, 15883710). This variant has been reported at an elevated frequency in affected individuals/in multiple affected individuals in the literature (ACMG/AMP: PS4; PMIDs:11391796, 12782822, 17406045, 21792967, 21945342, 26096992). This variant is absent from or present at an exceedingly low frequency in gnomAD, a large-scale control population database (ACMG/AMP: PM2). This variant has been shown to segregate with disease in multiple affected family members (ACMG/AMP: PP1_Strong; PMIDs:11391796, 21792967, 21945342).

GeneDx
Classification: Pathogenic. Last evaluated: 2024-11-26. Review status: criteria provided, single submitter. Criteria: GeneDx Variant Classification Process June 2021. Collection method: clinical testing. Allele origin: germline. Affected: yes.
Comment: Initiation codon variant in a gene for which loss of function is a known mechanism of disease; Not observed at significant frequency in large population cohorts (gnomAD); This variant is associated with the following publications: (PMID: 21945342, 31365623, 31447099, 34309460, 22241717, 19258401, 36722519, 15066320, 21792967, 17406045, 30093976, 33308260, 12782822, 29777207, 17576205, 11391796, 26096992, 19454582, 19351833)

Blueprint Genetics
Classification: Pathogenic for SDHD-related disorders. Last evaluated: 2024-11-06. Review status: criteria provided, single submitter. Criteria: ACMG Guidelines, 2015. Collection method: clinical testing. Allele origin: germline. Affected: yes. Observed: 1 variant allele.

Ambry Genetics
Classification: Pathogenic for Hereditary cancer-predisposing syndrome. Last evaluated: 2024-09-26. Review status: criteria provided, single submitter. Criteria: Ambry Variant Classification Scheme 2023. Collection method: clinical testing. Allele origin: germline.
Comment: The p.M1? pathogenic mutation (also known as c.3G>C) is located in coding exon 1 of the SDHD gene and results from a G to C substitution at nucleotide position 1. This alters the methionine residue at the initiation codon. This mutation has been reported in multiple Asian families affected with early onset paragangliomas, and haplotype analysis has identified it as a Chinese founder mutation (Badenhop RF et al. Genes Chromosomes Cancer. 2001 Jul;31(3):255-63; Lee SC et al. Laryngoscope, 2003 Jun;113:1055-8; Ma RC et al. Hong Kong Med J, 2007 Apr;13:151-4; Zha Y et al. Laryngoscope. 2011 Aug;121(8); Wang CP et al. Oral Oncol. 2012 Feb;48(2):125-9; Ting KR et al. Hered Cancer Clin Pract 2020 Dec;18(1):24). This alteration is also denoted as p.M1I throughout the literature. In addition to the clinical data presented in the literature, since sequence variations that modify the initiation codon (ATG) are expected to result in either loss of translation initiation, N-terminal truncation, or cause a shift in the mRNA reading frame, this alteration is interpreted as a disease-causing mutation.

Laboratory for Molecular Medicine, Mass General Brigham Personalized Medicine
Classification: Pathogenic for Hereditary pheochromocytoma and paraganglioma. Last evaluated: 2019-07-21. Review status: criteria provided, single submitter. Criteria: LMM Criteria. Collection method: clinical testing. Allele origin: germline. Inheritance: Autosomal dominant inheritance. Observed: 3 variant alleles.
Comment: The c.3G>C (p.Met1?) variant in SDHD has been identified to be a Chinese founder variant and has been reported in at least 13 Chinese individuals with hereditary paragangliomas and/or pheochromocytomas (PGL/PCC), segregating with disease in at least 10 relatives in these families (Badenhop 2001, Lee 2003, Ma 2007, Zha 2011, Wang 2012, Zhu 2015). This variant has also been reported by other clinical laboratories in Clinvar (Variation ID: 6906) and was absent from large population studies. The p.Met1? variant alters the evolutionary conserved initiation codon of the SDHD gene and is predicted to disrupt translation. The precise effect on the protein cannot be predicted, as this variant may lead to no protein synthesis or the activation of an upstream translation initiation codon, resulting in an aberrant protein. Additionally, other variants at this position, resulting in the same impact on the protein, have been reported in individuals with PGL/PCC (Burnichon 2009, Cascon 2009, Neumayer 2007, Piccini 2012, Riemann 2004). Heterozygous loss of function of the SDHD gene is an established disease mechanism in individuals with hereditary PGL/PCC. In summary, this variant meets criteria to be classified as pathogenic for hereditary PGL/PCC in an autosomal dominant manner based upon multiple occurrences in affected individuals, segregation studies, absence from the general population, and the predicted impact on protein. ACMG/AMP criteria applied: PS4; PVS1_Moderate, PM2, PP1_Strong.

OMIM
Classification: Pathogenic for PHEOCHROMOCYTOMA/PARAGANGLIOMA SYNDROME 1. Last evaluated: 2001-07-01. Review status: no assertion criteria provided. Collection method: literature only. Allele origin: germline. Not counted in ClinVar's aggregate classification.

GeneReviews
No classification provided. Condition: Hereditary pheochromocytoma and paraganglioma. Review status: no classification provided. Collection method: literature only. Allele origin: unknown. Not counted in ClinVar's aggregate classification.

Literature cited by the submitters: PubMed 11391796 (cited by 5 submitters); PubMed 12782822 (cited by 5 submitters); PubMed 15066320 (cited by Labcorp Genetics (formerly Invitae), Labcorp and Laboratory for Molecular Medicine, Mass General Brigham Personalized Medicine); PubMed 17576205 (cited by Labcorp Genetics (formerly Invitae), Labcorp and Laboratory for Molecular Medicine, Mass General Brigham Personalized Medicine); PubMed 19351833 (cited by Labcorp Genetics (formerly Invitae), Labcorp); PubMed 19454582 (cited by 3 submitters); PubMed 21792967 (cited by 3 submitters); PubMed 21945342 (cited by 3 submitters); PubMed 22241717 (cited by Labcorp Genetics (formerly Invitae), Labcorp and Laboratory for Molecular Medicine, Mass General Brigham Personalized Medicine); PubMed 15883710 (cited by Institute for Genomic Medicine (IGM) Clinical Laboratory, Nationwide Children's Hospital); PubMed 17406045 (cited by 3 submitters); PubMed 26096992 (cited by Institute for Genomic Medicine (IGM) Clinical Laboratory, Nationwide Children's Hospital and Laboratory for Molecular Medicine, Mass General Brigham Personalized Medicine); PubMed 19258401 (cited by Laboratory for Molecular Medicine, Mass General Brigham Personalized Medicine); PubMed 20301715 (cited by GeneReviews); NCBI Bookshelf NBK1548 (cited by GeneReviews).